The following is an entry in ClinVar:

ClinVar aggregate classification (germline): Uncertain significance. Review status: criteria provided, single submitter (1 of 4 stars). 2 submissions from 2 submitters: Uncertain significance (1). 1 of the submissions does not count toward it. Last evaluated 2025-12-15.

Conditions:
C3-related disorder. Also called: C3-related condition.

Submissions (2):

Labcorp Genetics (formerly Invitae), Labcorp
Classification: Uncertain significance. Last evaluated: 2025-12-15. Review status: criteria provided, single submitter. Criteria: Invitae Variant Classification Sherloc (09022015). Collection method: clinical testing. Allele origin: germline.
Comment: This sequence change replaces phenylalanine, which is neutral and non-polar, with leucine, which is neutral and non-polar, at codon 105 of the C3 protein (p.Phe105Leu). This variant is not present in population databases (gnomAD no frequency). This variant has not been reported in the literature in individuals affected with C3-related conditions. ClinVar contains an entry for this variant (Variation ID: 3030962). Invitae Evidence Modeling of protein sequence and biophysical properties (such as structural, functional, and spatial information, amino acid conservation, physicochemical variation, residue mobility, and thermodynamic stability) indicates that this missense variant is expected to disrupt C3 protein function with a positive predictive value of 80%. In summary, the available evidence is currently insufficient to determine the role of this variant in disease. Therefore, it has been classified as a Variant of Uncertain Significance.

PreventionGenetics, part of Exact Sciences
Classification: Uncertain significance for C3-related condition. Last evaluated: 2023-11-07. Review status: no assertion criteria provided. Collection method: clinical testing. Allele origin: germline. Not counted in ClinVar's aggregate classification.
Comment: The C3 c.315C>G variant is predicted to result in the amino acid substitution p.Phe105Leu. To our knowledge, this variant has not been reported in the literature or in a large population database, indicating this variant is rare. At this time, the clinical significance of this variant is uncertain due to the absence of conclusive functional and genetic evidence.

NM_000064.4(C3):c.315C>G (p.Phe105Leu)

Gene: C3 (complement C3; minus strand). Cytogenetic location: 19p13.3.
Variant type: single nucleotide variant.
Coding change: c.315C>G on transcript NM_000064.4 (MANE Select); coding-DNA position 315, C replaced by G.
Protein change: p.Phe105Leu; replaces phenylalanine 105 with leucine.
Molecular consequence: missense variant.
Genome position (GRCh38, 1-based): chr19:6,718,365, G>C on the plus strand (C>G on the coding strand, the complement: C3 is on the minus strand). VCF-style: chr19-6718365-G-C. GRCh37 (hg19) VCF-style: chr19-6718376-G-C.
Other names: short protein forms F105L.
Identifiers: ClinVar variation 3030962 (VCV003030962.3), dbSNP rs2512271099, ClinGen allele CA403645272.